The following is an entry in ClinVar:

ClinVar aggregate classification (germline): Uncertain significance (1 of 4 stars; one submission).

Conditions:
Intellectual disability, autosomal recessive 53 (NEDHSCA). Also called: GLYCOSYLPHOSPHATIDYLINOSITOL BIOSYNTHESIS DEFECT 13; Mental retardation, autosomal recessive 53; NEURODEVELOPMENTAL DISORDER WITH OR WITHOUT HYPOTONIA, SEIZURES, AND CEREBELLAR ATROPHY. Identifiers: Orphanet 488635, MedGen C4310794, MONDO:0014832, OMIM 616917.

Allele frequency attached by ClinVar (database versions not stated): gnomAD exomes below 0.00001; TOPMed below 0.00001; ExAC 0.00001.
gnomAD v4.1: 3 of 1,614,174 alleles (0.00019%); highest among the groups gnomAD compares: Non-Finnish European, 0.000085%; no homozygotes.

Submission:

Labcorp Genetics (formerly Invitae), Labcorp
Classification: Uncertain significance for Intellectual disability, autosomal recessive 53. Last evaluated: 2022-08-31. Review status: criteria provided, single submitter. Criteria: Invitae Variant Classification Sherloc (09022015). Collection method: clinical testing. Allele origin: germline.
Comment: In summary, the available evidence is currently insufficient to determine the role of this variant in disease. Therefore, it has been classified as a Variant of Uncertain Significance. Algorithms developed to predict the effect of missense changes on protein structure and function are either unavailable or do not agree on the potential impact of this missense change (SIFT: "Tolerated"; PolyPhen-2: "Probably Damaging"; Align-GVGD: "Class C0"). ClinVar contains an entry for this variant (Variation ID: 650691). This missense change has been observed in individual(s) with clinical features of PIGG-related conditions (Invitae). In at least one individual the data is consistent with being in trans (on the opposite chromosome) from a pathogenic variant. This variant is present in population databases (rs769618986, gnomAD 0.0009%). This sequence change replaces threonine, which is neutral and polar, with isoleucine, which is neutral and non-polar, at codon 887 of the PIGG protein (p.Thr887Ile).

NM_001127178.3(PIGG):c.2660C>T (p.Thr887Ile)

Gene: PIGG (phosphatidylinositol glycan anchor biosynthesis class G (EMM blood group); plus strand). Cytogenetic location: 4p16.3.
Variant type: single nucleotide variant.
Coding change: c.2660C>T on transcript NM_001127178.3 (MANE Select); coding-DNA position 2660, C replaced by T.
Protein change: p.Thr887Ile; replaces threonine 887 with isoleucine.
Molecular consequence: missense variant. On other transcripts: non-coding transcript variant (10).
Genome position (GRCh38, 1-based): chr4:533,906, C>T. VCF-style: chr4-533906-C-T. GRCh37 (hg19) VCF-style: chr4-527695-C-T.
Other names: c.2393C>T, p.Thr798Ile (NM_001289051.2, NM_001345986.2); c.2261C>T, p.Thr754Ile (NM_001289052.2); c.2369C>T, p.Thr790Ile (NM_001345987.2); c.1631C>T, p.Thr544Ile (NM_001345988.2); c.1127C>T, p.Thr376Ile (NM_001345990.2, NM_001345991.2); c.1562C>T, p.Thr521Ile (NM_001345994.2); c.2636C>T, p.Thr879Ile (NM_017733.5); short protein forms T521I, T798I, T376I, T754I, T790I, T544I, T879I, T887I.
Identifiers: ClinVar variation 650691 (VCV000650691.7), dbSNP rs769618986, ClinGen allele CA2793707.